The following is an entry in ClinVar:

ClinVar aggregate classification (germline): Likely benign. Review status: criteria provided, multiple submitters, no conflicts (2 of 4 stars). 5 submissions from 5 submitters: Likely benign (5). Last evaluated 2026-01-07.

Conditions:
COG4-congenital disorder of glycosylation. Also called: COG4-CDG; CONGENITAL DISORDER OF GLYCOSYLATION, TYPE IIj; CDG IIj. Identifiers: Orphanet 263501, MedGen C4303552, MONDO:0013281, OMIM 613489.

Allele frequency attached by ClinVar (database versions not stated): 1000 Genomes Project 0.00100; 1000 Genomes Project 30x 0.00109; ESP Exome Variant Server 0.00154; ExAC 0.00164; gnomAD exomes 0.00171; gnomAD 0.00176 and 0.00177; TOPMed 0.00189.
gnomAD v4.1: 3,859 of 1,614,028 alleles (0.24%); highest among the groups gnomAD compares: Non-Finnish European, 0.29%; 7 homozygotes.

Submissions (5):

Labcorp Genetics (formerly Invitae), Labcorp
Classification: Likely benign for COG4-congenital disorder of glycosylation. Last evaluated: 2026-01-07. Review status: criteria provided, single submitter. Criteria: Invitae Variant Classification Sherloc (09022015). Collection method: clinical testing. Allele origin: germline.

Blueprint Genetics
Classification: Likely benign. Last evaluated: 2024-11-25. Review status: criteria provided, single submitter. Criteria: ACMG Guidelines, 2015. Collection method: clinical testing. Allele origin: germline.

CeGaT Center for Human Genetics Tuebingen
Classification: Likely benign. Last evaluated: 2024-10-01. Review status: criteria provided, single submitter. Criteria: CeGaT Center For Human Genetics Tuebingen Variant Classification Criteria Version 2. Collection method: clinical testing. Allele origin: germline. Affected: yes. Observed: 4 variant alleles.
Comment: COG4: BP4, BS2

GeneDx
Classification: Likely benign. Last evaluated: 2020-02-14. Review status: criteria provided, single submitter. Criteria: GeneDx Variant Classification Process June 2021. Collection method: clinical testing. Allele origin: germline. Affected: yes.

Breakthrough Genomics
Classification: Likely benign. Review status: criteria provided, single submitter. Criteria: ACMG Guidelines, 2015. Collection method: not provided. Allele origin: germline. Inheritance: Autosomal recessive inheritance. Affected: yes.

NM_015386.3(COG4):c.1017G>A (p.Gln339=)

Gene: COG4 (component of oligomeric golgi complex 4; minus strand). Cytogenetic location: 16q22.1.
Variant type: single nucleotide variant.
Coding change: c.1017G>A on transcript NM_015386.3 (MANE Select); coding-DNA position 1017, G replaced by A.
Protein change: p.Gln339=; no amino-acid change (glutamine 339 retained).
Molecular consequence: synonymous variant. On other transcripts: non-coding transcript variant (1).
Genome position (GRCh38, 1-based): chr16:70,508,450, C>T on the plus strand (G>A on the coding strand, the complement: COG4 is on the minus strand). VCF-style: chr16-70508450-C-T. GRCh37 (hg19) VCF-style: chr16-70542353-C-T.
Other names: c.1005G>A, p.Gln335= (NM_001195139.2); c.591G>A, p.Gln197= (NM_001365426.1).
Identifiers: ClinVar variation 320376 (VCV000320376.40), dbSNP rs138874791, ClinGen allele CA8144472.